The following is an entry in ClinVar:

ClinVar aggregate classification (germline): Uncertain significance (1 of 4 stars; one submission).

gnomAD v4.1: 1 of 1,614,222 alleles (0.000062%); no homozygotes.

Submission:

Labcorp Genetics (formerly Invitae), Labcorp
Classification: Uncertain significance. Last evaluated: 2022-11-01. Review status: criteria provided, single submitter. Criteria: Invitae Variant Classification Sherloc (09022015). Collection method: clinical testing. Allele origin: germline.
Comment: This variant has not been reported in the literature in individuals affected with OPN1SW-related conditions. This variant is not present in population databases (gnomAD no frequency). This sequence change replaces asparagine, which is neutral and polar, with lysine, which is basic and polar, at codon 299 of the OPN1SW protein (p.Asn299Lys). In summary, the available evidence is currently insufficient to determine the role of this variant in disease. Therefore, it has been classified as a Variant of Uncertain Significance. Algorithms developed to predict the effect of missense changes on protein structure and function (SIFT, PolyPhen-2, Align-GVGD) all suggest that this variant is likely to be disruptive.

NM_001385125.1(OPN1SW):c.888T>G (p.Asn296Lys)

Gene: OPN1SW (opsin 1, short wave sensitive; minus strand). Cytogenetic location: 7q32.1.
Variant type: single nucleotide variant.
Coding change: c.888T>G on transcript NM_001385125.1 (MANE Select); coding-DNA position 888, T replaced by G.
Protein change: p.Asn296Lys; replaces asparagine 296 with lysine.
Molecular consequence: missense variant.
Genome position (GRCh38, 1-based): chr7:128,773,679, A>C on the plus strand (T>G on the coding strand, the complement: OPN1SW is on the minus strand). VCF-style: chr7-128773679-A-C. GRCh37 (hg19) VCF-style: chr7-128413733-A-C.
Other names: short protein forms N296K.
Identifiers: ClinVar variation 1987808 (VCV001987808.4), dbSNP rs1047554910, ClinGen allele CA166210729.